The following is an entry in ClinVar:

ClinVar aggregate classification (germline): Benign/Likely benign. Review status: criteria provided, multiple submitters, no conflicts (2 of 4 stars). 6 submissions from 6 submitters: Benign (1); Likely benign (5). Last evaluated 2026-01-23.

Conditions:
Glycogen storage disease due to muscle beta-enolase deficiency (GSD13). Also called: Glycogen Storage Disease Type XIII; ENOLASE 3 DEFICIENCY; ENOLASE-BETA DEFICIENCY; GSD XIII. Identifiers: Orphanet 99849, MedGen C2752027, MONDO:0013046, OMIM 612932.

Allele frequency attached by ClinVar (database versions not stated): 1000 Genomes Project 30x 0.00078; 1000 Genomes Project 0.00080; gnomAD exomes 0.00145 and 0.00197; gnomAD 0.00168 and 0.00174; TOPMed 0.00230; ExAC 0.00262.
gnomAD v4.1: 3,115 of 1,602,690 alleles (0.19%); highest among the groups gnomAD compares: Admixed American, 0.25%; 9 homozygotes.

Submissions (6):

Labcorp Genetics (formerly Invitae), Labcorp
Classification: Benign for Glycogen storage disease due to muscle beta-enolase deficiency. Last evaluated: 2026-01-23. Review status: criteria provided, single submitter. Criteria: Invitae Variant Classification Sherloc (09022015). Collection method: clinical testing. Allele origin: germline.

Mayo Clinic Laboratories, Mayo Clinic
Classification: Likely benign. Last evaluated: 2025-12-11. Review status: criteria provided, single submitter. Criteria: ACMG Guidelines, 2015. Collection method: clinical testing. Allele origin: germline. Observed: 4 variant alleles.
Comment: BS2, BP4, BP7

Blueprint Genetics
Classification: Likely benign. Last evaluated: 2024-11-21. Review status: criteria provided, single submitter. Criteria: ACMG Guidelines, 2015. Collection method: clinical testing. Allele origin: germline.

ARUP Laboratories, Molecular Genetics and Genomics, ARUP Laboratories
Classification: Likely benign for Glycogen storage disease due to muscle beta-enolase deficiency. Last evaluated: 2023-10-09. Review status: criteria provided, single submitter. Criteria: ARUP Molecular Germline Variant Investigation Process 2024. Collection method: clinical testing. Allele origin: germline.

GeneDx
Classification: Likely benign. Last evaluated: 2018-02-05. Review status: criteria provided, single submitter. Criteria: GeneDx Variant Classification (06012015). Collection method: clinical testing. Allele origin: germline. Affected: yes.
Comment: This variant is considered likely benign or benign based on one or more of the following criteria: it is a conservative change, it occurs at a poorly conserved position in the protein, it is predicted to be benign by multiple in silico algorithms, and/or has population frequency not consistent with disease.

Illumina Laboratory Services, Illumina
Classification: Likely benign for Glycogen storage disease due to muscle beta-enolase deficiency. Last evaluated: 2018-01-13. Review status: criteria provided, single submitter. Criteria: ICSL Variant Classification Criteria 13 December 2019. Collection method: clinical testing. Allele origin: germline.
Comment: This variant was observed in the ICSL laboratory as part of a predisposition screen in an ostensibly healthy population. It had not been previously curated by ICSL or reported in the Human Gene Mutation Database (HGMD: prior to June 1st, 2018), and was therefore a candidate for classification through an automated scoring system. Utilizing variant allele frequency, disease prevalence and penetrance estimates, and inheritance mode, an automated score was calculated to assess if this variant is too frequent to cause the disease. Based on the score and internal cut-off values, a variant classified as likely benign is not then subjected to further curation. The score for this variant resulted in a classification of likely benign for this disease.

NM_053013.4(ENO3):c.86-10C>T

Gene: ENO3 (enolase 3; plus strand). Cytogenetic location: 17p13.2.
Variant type: single nucleotide variant.
Coding change: c.86-10C>T on transcript NM_053013.4 (MANE Select); 10 bases into the intron before coding-DNA position 86, C replaced by T.
Molecular consequence: intron variant.
Genome position (GRCh38, 1-based): chr17:4,952,785, C>T. VCF-style: chr17-4952785-C-T. GRCh37 (hg19) VCF-style: chr17-4856080-C-T.
Other names: p.?; c.86-10C>T (NM_001976.5, NM_001193503.2).
Identifiers: ClinVar variation 384380 (VCV000384380.18), dbSNP rs201571802, ClinGen allele CA8316135.